The following is an entry in ClinVar:

ClinVar aggregate classification (germline): Likely benign (0 of 4 stars; one submission).

Conditions:
ZNF142-related disorder. Also called: ZNF142-related condition.

gnomAD v4.1: 84 of 1,611,568 alleles (0.0052%); highest among the groups gnomAD compares: African/African-American, 0.068%; no homozygotes.

Submission:

PreventionGenetics, part of Exact Sciences
Classification: Likely benign for ZNF142-related condition. Last evaluated: 2024-06-17. Review status: no assertion criteria provided. Collection method: clinical testing. Allele origin: germline.
Comment: This variant is classified as likely benign based on ACMG/AMP sequence variant interpretation guidelines (Richards et al. 2015 PMID: 25741868, with internal and published modifications).

NM_001379659.1(ZNF142):c.1872G>T (p.Thr624=)

Gene: ZNF142 (zinc finger protein 142; minus strand). Cytogenetic location: 2q35.
Variant type: single nucleotide variant.
Coding change: c.1872G>T on transcript NM_001379659.1 (MANE Select); coding-DNA position 1872, G replaced by T.
Protein change: p.Thr624=; no amino-acid change (threonine 624 retained).
Molecular consequence: synonymous variant.
Genome position (GRCh38, 1-based): chr2:218,648,636, C>A on the plus strand (G>T on the coding strand, the complement: ZNF142 is on the minus strand). VCF-style: chr2-218648636-C-A. GRCh37 (hg19) VCF-style: chr2-219513359-C-A.
Other names: c.1272G>T, p.Thr424= (NM_001105537.5, NM_001366291.3, NM_001379662.1); c.783G>T, p.Thr261= (NM_001366287.3, NM_001366288.3, NM_001366289.3); c.1872G>T, p.Thr624= (NM_001366290.3, NM_001379660.1, NM_001379661.1).
Identifiers: ClinVar variation 3352731 (VCV003352731.1).